The following is an entry in ClinVar:

ClinVar aggregate classification (germline): Uncertain significance (1 of 4 stars; one submission).

Conditions:
Peroxisome biogenesis disorder, complementation group 7 (CG7). Also called: Peroxisome biogenesis disorder, complementation group B. Identifiers: MedGen C1864399.

Submission:

Labcorp Genetics (formerly Invitae), Labcorp
Classification: Uncertain significance for Peroxisome biogenesis disorder, complementation group 7. Last evaluated: 2022-09-13. Review status: criteria provided, single submitter. Criteria: Invitae Variant Classification Sherloc (09022015). Collection method: clinical testing. Allele origin: germline.
Comment: This variant, c.850_852del, results in the deletion of 1 amino acid(s) of the PEX10 protein (p.Glu284del), but otherwise preserves the integrity of the reading frame. This variant is not present in population databases (gnomAD no frequency). This variant has not been reported in the literature in individuals affected with PEX10-related conditions. Experimental studies and prediction algorithms are not available or were not evaluated, and the functional significance of this variant is currently unknown. In summary, the available evidence is currently insufficient to determine the role of this variant in disease. Therefore, it has been classified as a Variant of Uncertain Significance.

NM_002617.4(PEX10):c.787GAG[1] (p.Glu264del)

Gene: PEX10 (peroxisomal biogenesis factor 10; minus strand). Cytogenetic location: 1p36.32.
Variant type: Microsatellite.
Coding change: c.787GAG[1] on transcript NM_002617.4 (MANE Select); one copy of the 3-base unit GAG starting at c.787; the reference has two copies in a row; one copy, 3 bases deleted.
Protein change: p.Glu264del; deletes glutamic acid 264.
Molecular consequence: inframe deletion. On other transcripts: non-coding transcript variant (1).
Genome position (GRCh38, 1-based): chr1:2,406,604-2,406,606, CTC deleted on the plus strand (GAG on the coding strand, the reverse complement: PEX10 is on the minus strand); deleting any 3 consecutive bases within chr1:2,406,604-2,406,610 gives the same sequence; the position shown is the placement nearest the transcript's 3' end. VCF-style (leftmost placement, unchanged base first): chr1-2406603-TCTC-T. GRCh37 (hg19) VCF-style: chr1-2338042-TCTC-T.
Other names: c.844GAG[1], p.Glu283del (NM_001374425.1); c.412GAG[1], p.Glu139del (NM_001374426.1); c.355GAG[1], p.Glu120del (NM_001374427.1); c.847GAG[1], p.Glu284del (NM_153818.2); short protein forms E264del, E120del, E283del, E284del, E139del.
Identifiers: ClinVar variation 1952062 (VCV001952062.2), dbSNP rs2522257513, ClinGen allele CA2580611126.
Genomic context (GRCh38, chr1:2,406,603, plus strand): 5'-CTGTTGGGTGCCTGCGCTCCTCCAGGCACAGGGTGCACAGGGGGTTTCTGGAAACGGCTC[TCTC>T]CTCCAAGGAGGCCCTGGGGAAGGTGGGGCAGAGCGTCAAGGTGGGTGCACCTTACAGGTC-3'